The following is an entry in ClinVar:

NM_001098668.4(SFTPA2):c.-23-5G>A

Gene: SFTPA2 (surfactant protein A2; minus strand). Cytogenetic location: 10q22.3.
Variant type: single nucleotide variant.
Coding change: c.-23-5G>A on transcript NM_001098668.4 (MANE Select); 5 bases into the intron before 23 bases upstream of the start codon, G replaced by A.
Molecular consequence: intron variant. On other transcripts: splice acceptor variant (1).
Genome position (GRCh38, 1-based): chr10:79,559,511, C>T on the plus strand (G>A on the coding strand, the complement: SFTPA2 is on the minus strand). VCF-style: chr10-79559511-C-T. GRCh37 (hg19) VCF-style: chr10-81319267-C-T.
Other names: c.-26-2G>A (NM_001320813.2, NM_001320813.1); c.8-5G>A (NM_001320814.1).
Identifiers: ClinVar variation 1247340 (VCV001247340.8), dbSNP rs1650232, ClinGen allele CA5574245.

ClinVar aggregate classification (germline): Benign. Review status: criteria provided, multiple submitters, no conflicts (2 of 4 stars). 5 submissions from 5 submitters: Benign (4). 1 of the submissions does not count toward it. Last evaluated 2024-11-27.

Conditions:
SFTPA2-related disorder. Also called: SFTPA2-related condition.
Interstitial lung disease 2 (ILD2). Also called: FIBROCYSTIC PULMONARY DYSPLASIA; FIBROSING ALVEOLITIS, CRYPTOGENIC; Familial idiopathic pulmonary fibrosis. Identifiers: Orphanet 2032, Orphanet 79126, MedGen C5561926, MONDO:0800497, OMIM 178500, MONDO:0800029.

Allele frequency attached by ClinVar (database versions not stated): ESP Exome Variant Server 0.60244; 1000 Genomes Project 0.68750; 1000 Genomes Project 30x 0.69613; TOPMed 0.71884.

Submissions (5):

Blueprint Genetics
Classification: Benign. Last evaluated: 2024-11-27. Review status: criteria provided, single submitter. Criteria: ACMG Guidelines, 2015. Collection method: clinical testing. Allele origin: germline.

Genome-Nilou Lab
Classification: Benign for Interstitial lung disease 2. Last evaluated: 2021-07-15. Review status: criteria provided, single submitter. Criteria: ACMG Guidelines, 2015. Collection method: clinical testing. Allele origin: germline. Affected: no.

GeneDx
Classification: Benign. Last evaluated: 2018-11-12. Review status: criteria provided, single submitter. Criteria: GeneDx Variant Classification Process June 2021. Collection method: clinical testing. Allele origin: germline. Affected: yes.
Comment: This variant is associated with the following publications: (PMID: 23328842, 9003399)

Breakthrough Genomics
Classification: Benign. Review status: criteria provided, single submitter. Criteria: ACMG Guidelines, 2015. Collection method: not provided. Allele origin: germline. Inheritance: Autosomal dominant inheritance. Affected: yes.

PreventionGenetics, part of Exact Sciences
Classification: Benign for SFTPA2-related condition. Last evaluated: 2021-07-01. Review status: no assertion criteria provided. Collection method: clinical testing. Allele origin: germline. Not counted in ClinVar's aggregate classification.
Comment: This variant is classified as benign based on ACMG/AMP sequence variant interpretation guidelines (Richards et al. 2015 PMID: 25741868, with internal and published modifications).